The following is an entry in ClinVar:

ClinVar aggregate classification (germline): Conflicting classifications of pathogenicity. Review status: criteria provided, conflicting classifications (1 of 4 stars). 2 submissions from 2 submitters: Uncertain significance (1); Likely benign (1). Last evaluated 2025-08-07.

Conditions:
Hereditary cancer-predisposing syndrome. Also called: Tumor predisposition; Hereditary neoplastic syndrome; Neoplastic Syndromes, Hereditary; Hereditary Cancer Syndrome. Identifiers: Orphanet 140162, MedGen C0027672, MeSH D009386, MONDO:0015356.
Neuroblastoma, susceptibility to, 3. Also called: ALK-Related Neuroblastic Tumor Susceptibility. Identifiers: Orphanet 635, MedGen C2751681, MONDO:0013083, OMIM 613014.

Allele frequency attached by ClinVar (database versions not stated): gnomAD exomes 0.00003; ExAC 0.00004.
gnomAD v4.1: 29 of 1,614,208 alleles (0.0018%); highest among the groups gnomAD compares: South Asian, 0.027%; no homozygotes.

Submissions (2):

Labcorp Genetics (formerly Invitae), Labcorp
Classification: Uncertain significance for Neuroblastoma, susceptibility to, 3. Last evaluated: 2025-08-07. Review status: criteria provided, single submitter. Criteria: Invitae Variant Classification Sherloc (09022015). Collection method: clinical testing. Allele origin: germline.
Comment: This sequence change replaces glycine, which is neutral and non-polar, with cysteine, which is neutral and slightly polar, at codon 199 of the ALK protein (p.Gly199Cys). This variant is present in population databases (rs747517546, gnomAD 0.02%). This variant has not been reported in the literature in individuals affected with ALK-related conditions. ClinVar contains an entry for this variant (Variation ID: 937917). An algorithm developed to predict the effect of missense changes on protein structure and function (PolyPhen-2) suggests that this variant is likely to be disruptive. In summary, the available evidence is currently insufficient to determine the role of this variant in disease. Therefore, it has been classified as a Variant of Uncertain Significance.

Ambry Genetics
Classification: Likely benign for Hereditary cancer-predisposing syndrome. Last evaluated: 2022-08-12. Review status: criteria provided, single submitter. Criteria: Ambry Variant Classification Scheme 2023. Collection method: clinical testing. Allele origin: germline.

NM_004304.5(ALK):c.595G>T (p.Gly199Cys)

Gene: ALK (ALK receptor tyrosine kinase; minus strand). Cytogenetic location: 2p23.1.
Variant type: single nucleotide variant.
Coding change: c.595G>T on transcript NM_004304.5 (MANE Select); coding-DNA position 595, G replaced by T.
Protein change: p.Gly199Cys; replaces glycine 199 with cysteine.
Molecular consequence: missense variant.
Genome position (GRCh38, 1-based): chr2:29,920,065, C>A on the plus strand (G>T on the coding strand, the complement: ALK is on the minus strand). VCF-style: chr2-29920065-C-A. GRCh37 (hg19) VCF-style: chr2-30142931-C-A.
Other names: short protein forms G199C.
Identifiers: ClinVar variation 937917 (VCV000937917.9), dbSNP rs747517546, ClinGen allele CA1594936.